The following is an entry in ClinVar:

ClinVar aggregate classification (germline): conflicting data from submitters (0 of 4 stars; one submission).

Submission:

ISCA site 1
Classification: conflicting data from submitters. Last evaluated: 2013-08-19. Review status: no assertion criteria provided. Collection method: clinical testing. Allele origin: unknown. Affected: yes. Observed: 2 variant alleles.
Comment: Uncertain significance(1), Likely benign (1)

Copy number variation identified through the course of routine clinical cytogenomic testing in postnatal populations, with clinical assertions as classified by the original submitter. For data from the original published study, Kaminsky, et al. 2011 (PubMed 21844811), please see nstd101.

GRCh38/hg38 17p11.2-11.1(chr17:22140003-22762465)x3

Genes: FAM27E5 (family with sequence similarity E5; plus strand), FLJ36000 (uncharacterized FLJ36000; plus strand), LINC02002 (long intergenic non-protein coding RNA 2002; minus strand), MTRNR2L1 (MT-RNR2 like 1; plus strand), LOC105371597 (uncharacterized LOC105371597; plus strand) and 1 more. Cytogenetic location: 17p11.2-11.1.
Variant type: copy number gain.
Change: copy number 3 (three copies instead of two) of chr17:22,140,003-22,762,465 (622.5 kb, GRCh38 coordinates, 1-based), cytogenetic band 17p11.2-11.1.
Identifiers: ClinVar variation 153544 (VCV000153544.3).